The following is an entry in ClinVar:

ClinVar aggregate classification (germline): Uncertain significance (1 of 4 stars; one submission).

Conditions:
BAP1-related tumor predisposition syndrome (TPDS1). Also called: TUMOR PREDISPOSITION SYNDROME 1; BAP1 tumor predisposition syndrome; Tumor susceptibility linked to germline BAP1 mutations; COMMON Syndrome. Identifiers: Orphanet 289539, MedGen C3280492, MONDO:0013692, OMIM 614327.

Allele frequency attached by ClinVar (database versions not stated): gnomAD exomes below 0.00001.
gnomAD v4.1: 1 of 1,613,912 alleles (0.000062%); highest among the groups gnomAD compares: South Asian, 0.0011%; no homozygotes.

Submission:

Labcorp Genetics (formerly Invitae), Labcorp
Classification: Uncertain significance for BAP1-related tumor predisposition syndrome. Last evaluated: 2023-05-28. Review status: criteria provided, single submitter. Criteria: Invitae Variant Classification Sherloc (09022015). Collection method: clinical testing. Allele origin: germline.
Comment: In summary, the available evidence is currently insufficient to determine the role of this variant in disease. Therefore, it has been classified as a Variant of Uncertain Significance. Advanced modeling of protein sequence and biophysical properties (such as structural, functional, and spatial information, amino acid conservation, physicochemical variation, residue mobility, and thermodynamic stability) performed at Invitae indicates that this missense variant is not expected to disrupt BAP1 protein function. This variant has not been reported in the literature in individuals affected with BAP1-related conditions. This variant is not present in population databases (gnomAD no frequency). This sequence change replaces aspartic acid, which is acidic and polar, with glutamic acid, which is acidic and polar, at codon 107 of the BAP1 protein (p.Asp107Glu).

NM_004656.4(BAP1):c.321C>G (p.Asp107Glu)

Gene: BAP1 (BRCA1 associated deubiquitinase 1; minus strand). Cytogenetic location: 3p21.1.
Variant type: single nucleotide variant.
Coding change: c.321C>G on transcript NM_004656.4 (MANE Select); coding-DNA position 321, C replaced by G.
Protein change: p.Asp107Glu; replaces aspartic acid 107 with glutamic acid.
Molecular consequence: missense variant.
Genome position (GRCh38, 1-based): chr3:52,408,012, G>C on the plus strand (C>G on the coding strand, the complement: BAP1 is on the minus strand). VCF-style: chr3-52408012-G-C. GRCh37 (hg19) VCF-style: chr3-52442028-G-C.
Other names: c.321C>G, p.Asp107Glu (NM_001410772.1); short protein forms D107E.
Identifiers: ClinVar variation 3014698 (VCV003014698.3), dbSNP rs1705220829, ClinGen allele CA353112193.